The following is an entry in ClinVar:

ClinVar aggregate classification (germline): Pathogenic (1 of 4 stars; one submission).

Conditions:
Developmental and epileptic encephalopathy, 9 (DEE9). Also called: Early infantile epileptic encephalopathy 9; JUBERG-HELLMAN SYNDROME; PCDH19-Related X-Linked Female-Limited Epilepsy with Mental Retardation; EPILEPSY, FEMALE-RESTRICTED, WITH MENTAL RETARDATION. Identifiers: Orphanet 101039, Orphanet 2076, MedGen C1848137, MONDO:0010246, OMIM 300088. Disease mechanism: loss of function.

Submission:

Labcorp Genetics (formerly Invitae), Labcorp
Classification: Pathogenic for Developmental and epileptic encephalopathy, 9. Last evaluated: 2024-05-13. Review status: criteria provided, single submitter. Criteria: Invitae Variant Classification Sherloc (09022015). Collection method: clinical testing. Allele origin: germline.
Comment: This sequence change creates a premature translational stop signal (p.Ser276Leufs*43) in the PCDH19 gene. It is expected to result in an absent or disrupted protein product. Loss-of-function variants in PCDH19 are known to be pathogenic (PMID: 21053371). This variant is not present in population databases (gnomAD no frequency). This variant has not been reported in the literature in individuals affected with PCDH19-related conditions. ClinVar contains an entry for this variant (Variation ID: 2132381). For these reasons, this variant has been classified as Pathogenic.

Literature cited by the submitters: PubMed 21053371.

NM_001184880.2(PCDH19):c.826_827del (p.Ser276fs)

Gene: PCDH19 (protocadherin 19; minus strand). Cytogenetic location: Xq22.1.
Variant type: Deletion.
Coding change: c.826_827del on transcript NM_001184880.2 (MANE Select); coding-DNA positions 826 to 827, 2 bases deleted (TC; older notation c.826_827delTC).
Protein change: p.Ser276fs; shifts the reading frame from serine 276.
Molecular consequence: frameshift variant.
Genome position (GRCh38, 1-based): chrX:100,407,771-100,407,772, GA deleted on the plus strand (TC on the coding strand, the reverse complement: PCDH19 is on the minus strand); deleting any 2 consecutive bases within chrX:100,407,771-100,407,773 gives the same sequence; the c. name uses the placement nearest the transcript's 3' end. VCF-style (leftmost placement, unchanged base first): chrX-100407770-GGA-G. GRCh37 (hg19) VCF-style: chrX-99662768-GGA-G.
Other names: c.826_827del, p.Ser276fs (NM_001105243.2, NM_020766.3); short protein forms S276fs.
Identifiers: ClinVar variation 2132381 (VCV002132381.4), dbSNP rs2520989245, ClinGen allele CA2580100054.
Genomic context (GRCh38, chrX:100,407,770, plus strand): 5'-GCCACTGTGCGGGTCGATCTGAAAGAGCTCGCGCGTGCGGTCGTTGACGTAGCCATAGAA[GGA>G]GTAGACCACCTGGCCGTTGGTGCCCTCGTCTGGATCGCTGGCGTTGAGGCGGATGACGGG-3'